The following is an entry in ClinVar:

NM_005869.4(CWC27):c.1403A>G (p.Lys468Arg)

Gene: CWC27 (CWC27 spliceosome associated cyclophilin; plus strand). Cytogenetic location: 5q12.3.
Variant type: single nucleotide variant.
Coding change: c.1403A>G on transcript NM_005869.4 (MANE Select); coding-DNA position 1403, A replaced by G.
Protein change: p.Lys468Arg; replaces lysine 468 with arginine.
Molecular consequence: missense variant. On other transcripts: 3 prime UTR variant (1).
Genome position (GRCh38, 1-based): chr5:65,018,305, A>G. VCF-style: chr5-65018305-A-G. GRCh37 (hg19) VCF-style: chr5-64314132-A-G.
Other names: c.*123A>G (NM_001297644.1); short protein forms K468R.
Identifiers: ClinVar variation 2123598 (VCV002123598.4), dbSNP rs1441494129, ClinGen allele CA359962141.

ClinVar aggregate classification (germline): Uncertain significance (1 of 4 stars; one submission).

Submission:

Labcorp Genetics (formerly Invitae), Labcorp
Classification: Uncertain significance. Last evaluated: 2022-04-09. Review status: criteria provided, single submitter. Criteria: Invitae Variant Classification Sherloc (09022015). Collection method: clinical testing. Allele origin: germline.
Comment: This sequence change replaces lysine, which is basic and polar, with arginine, which is basic and polar, at codon 468 of the CWC27 protein (p.Lys468Arg). This variant is not present in population databases (gnomAD no frequency). This variant has not been reported in the literature in individuals affected with CWC27-related conditions. Algorithms developed to predict the effect of missense changes on protein structure and function are either unavailable or do not agree on the potential impact of this missense change (SIFT: "Deleterious"; PolyPhen-2: "Benign"; Align-GVGD: "Class C0"). In summary, the available evidence is currently insufficient to determine the role of this variant in disease. Therefore, it has been classified as a Variant of Uncertain Significance.